The following is an entry in ClinVar:

NM_000211.5(ITGB2):c.1274C>T (p.Ser425Leu)

Gene: ITGB2 (integrin subunit beta 2; minus strand). Cytogenetic location: 21q22.3.
Variant type: single nucleotide variant.
Coding change: c.1274C>T on transcript NM_000211.5 (MANE Select); coding-DNA position 1274, C replaced by T.
Protein change: p.Ser425Leu; replaces serine 425 with leucine.
Molecular consequence: missense variant.
Genome position (GRCh38, 1-based): chr21:44,891,947, G>A on the plus strand (C>T on the coding strand, the complement: ITGB2 is on the minus strand). VCF-style: chr21-44891947-G-A. GRCh37 (hg19) VCF-style: chr21-46311862-G-A.
Other names: c.1274C>T, p.Ser425Leu (NM_001127491.3); c.1067C>T, p.Ser356Leu (NM_001303238.2); short protein forms S356L, S425L.
Identifiers: ClinVar variation 860958 (VCV000860958.9), dbSNP rs375122306, ClinGen allele CA10062870.

ClinVar aggregate classification (germline): Uncertain significance. Review status: criteria provided, multiple submitters, no conflicts (2 of 4 stars). 4 submissions from 4 submitters: Uncertain significance (4). Last evaluated 2026-01-23.

Conditions:
Leukocyte adhesion deficiency 1 (LAD1). Also called: LAD 1; Lymphocyte function-associated antigen 1 immunodeficiency; LFA 1 immunodeficiency; LEUKOCYTE ADHESION DEFICIENCY, TYPE I. Identifiers: Orphanet 2968, Orphanet 99842, MedGen C0398738, MONDO:0007293, OMIM 116920.

Allele frequency attached by ClinVar (database versions not stated): gnomAD exomes 0.00007 and 0.00008; ExAC 0.00008; ESP Exome Variant Server 0.00008; TOPMed 0.00008; gnomAD 0.00017 and 0.00019.
gnomAD v4.1: 137 of 1,613,230 alleles (0.0085%); highest among the groups gnomAD compares: Middle Eastern, 0.016%; no homozygotes.

Submissions (4):

Women's Health and Genetics/Laboratory Corporation of America, LabCorp
Classification: Uncertain significance. Last evaluated: 2026-01-23. Review status: criteria provided, single submitter. Criteria: LabCorp Variant Classification Summary - May 2015. Collection method: clinical testing. Allele origin: germline.

Blueprint Genetics
Classification: Uncertain significance. Last evaluated: 2024-11-13. Review status: criteria provided, single submitter. Criteria: ACMG Guidelines, 2015. Collection method: clinical testing. Allele origin: germline.

Labcorp Genetics (formerly Invitae), Labcorp
Classification: Uncertain significance for Leukocyte adhesion deficiency 1. Last evaluated: 2022-08-23. Review status: criteria provided, single submitter. Criteria: Invitae Variant Classification Sherloc (09022015). Collection method: clinical testing. Allele origin: germline.
Comment: This sequence change replaces serine, which is neutral and polar, with leucine, which is neutral and non-polar, at codon 425 of the ITGB2 protein (p.Ser425Leu). This variant is present in population databases (rs375122306, gnomAD 0.02%). This variant has not been reported in the literature in individuals affected with ITGB2-related conditions. ClinVar contains an entry for this variant (Variation ID: 860958). Algorithms developed to predict the effect of missense changes on protein structure and function (SIFT, PolyPhen-2, Align-GVGD) all suggest that this variant is likely to be disruptive. In summary, the available evidence is currently insufficient to determine the role of this variant in disease. Therefore, it has been classified as a Variant of Uncertain Significance.

GeneDx
Classification: Uncertain significance. Last evaluated: 2020-06-30. Review status: criteria provided, single submitter. Criteria: GeneDx Variant Classification Process June 2021. Collection method: clinical testing. Allele origin: germline. Affected: yes.
Comment: In silico analysis supports that this missense variant has a deleterious effect on protein structure/function; Has not been previously published as pathogenic or benign to our knowledge